The following is an entry in ClinVar:

NM_206943.4(LTBP1):c.2453T>C (p.Leu818Pro)

Gene: LTBP1 (latent transforming growth factor beta binding protein 1; plus strand). Cytogenetic location: 2p22.3.
Variant type: single nucleotide variant.
Coding change: c.2453T>C on transcript NM_206943.4 (MANE Select); coding-DNA position 2453, T replaced by C.
Protein change: p.Leu818Pro; replaces leucine 818 with proline.
Molecular consequence: missense variant.
Genome position (GRCh38, 1-based): chr2:33,262,756, T>C. VCF-style: chr2-33262756-T-C. GRCh37 (hg19) VCF-style: chr2-33487823-T-C.
Other names: c.1475T>C, p.Leu492Pro (NM_000627.4, NM_001166264.2, NM_001394906.1 and 8 more transcripts); c.1316T>C, p.Leu439Pro (NM_001166265.2, NM_001166266.2, NM_001394913.1 and 7 more transcripts); c.2294T>C, p.Leu765Pro (NM_001394905.1); c.1391T>C, p.Leu464Pro (NM_001394907.1, NM_001394914.1, NM_001394915.1); c.1232T>C, p.Leu411Pro (NM_001394916.1); short protein forms L411P, L439P, L464P, L492P, L765P, L818P.
Identifiers: ClinVar variation 3067345 (VCV003067345.21), dbSNP rs372778834, ClinGen allele CA1607405.

ClinVar aggregate classification (germline): Uncertain significance (1 of 4 stars; one submission).

Allele frequency attached by ClinVar (database versions not stated): TOPMed below 0.00001; ExAC 0.00001; gnomAD 0.00001; gnomAD exomes 0.00002; ESP Exome Variant Server 0.00008.
gnomAD v4.1: 24 of 1,605,730 alleles (0.0015%); highest among the groups gnomAD compares: Non-Finnish European, 0.0018%; no homozygotes.

Submission:

CeGaT Center for Human Genetics Tuebingen
Classification: Uncertain significance. Last evaluated: 2024-03-01. Review status: criteria provided, single submitter. Criteria: CeGaT Center For Human Genetics Tuebingen Variant Classification Criteria Version 2. Collection method: clinical testing. Allele origin: germline. Affected: yes. Observed: 1 variant allele.
Comment: LTBP1: PM2, BP4